The following is an entry in ClinVar:

ClinVar aggregate classification (germline): Likely benign (1 of 4 stars; one submission).

Conditions:
SCAPER-related disorder. Also called: SCAPER-related condition.

gnomAD v4.1: 8 of 1,532,466 alleles (0.00052%); highest among the groups gnomAD compares: Non-Finnish European, 0.00071%; no homozygotes.

Submission:

PreventionGenetics, part of Exact Sciences
Classification: Likely benign for SCAPER-related condition. Last evaluated: 2025-03-03. Review status: criteria provided, single submitter. Criteria: ACMG Guidelines, 2015. Collection method: clinical testing. Allele origin: germline.
Comment: This variant is classified as likely benign based on ACMG/AMP sequence variant interpretation guidelines (Richards et al. 2015 PMID: 25741868, with internal and published modifications).

NM_020843.4(SCAPER):c.-8T>C

Gene: SCAPER (S-phase cyclin A associated protein in the ER; minus strand). Cytogenetic location: 15q24.3.
Variant type: single nucleotide variant.
Coding change: c.-8T>C on transcript NM_020843.4 (MANE Select); 8 bases upstream of the start codon, T replaced by C.
Molecular consequence: 5 prime UTR variant. On other transcripts: non-coding transcript variant (1).
Genome position (GRCh38, 1-based): chr15:76,883,825, A>G on the plus strand (T>C on the coding strand, the complement: SCAPER is on the minus strand). VCF-style: chr15-76883825-A-G. GRCh37 (hg19) VCF-style: chr15-77176166-A-G.
Other names: c.-8T>C (NM_001353009.2); c.-465T>C (NM_001353010.2); c.-528T>C (NM_001353011.2); c.-498T>C (NM_001353012.2).
Identifiers: ClinVar variation 4984461 (VCV004984461.1).
Genomic context (GRCh38, chr15:76,883,825, plus strand): 5'-AAGAGAAAGGCAAAAAAACTAAGGCTAGTCTTTAAGATATCACTTACCATCATTCTTTAA[A>G]TTCTCTTCTATGCCAAGATCATTTATCACATAAACCCATGGAGTATGACTCCTACAATAA-3'